The following is an entry in ClinVar:

ClinVar aggregate classification (germline): Uncertain significance (1 of 4 stars; one submission).

Conditions:
Alstrom syndrome (ALMS). Identifiers: Orphanet 64, MedGen C0268425, MONDO:0008763, OMIM 203800.

Submission:

Labcorp Genetics (formerly Invitae), Labcorp
Classification: Uncertain significance for Alstrom syndrome. Last evaluated: 2022-02-24. Review status: criteria provided, single submitter. Criteria: Invitae Variant Classification Sherloc (09022015). Collection method: clinical testing. Allele origin: germline.
Comment: This sequence change replaces serine, which is neutral and polar, with phenylalanine, which is neutral and non-polar, at codon 2142 of the ALMS1 protein (p.Ser2142Phe). This variant is not present in population databases (gnomAD no frequency). This variant has not been reported in the literature in individuals affected with ALMS1-related conditions. Experimental studies and prediction algorithms are not available or were not evaluated, and the functional significance of this variant is currently unknown. In summary, the available evidence is currently insufficient to determine the role of this variant in disease. Therefore, it has been classified as a Variant of Uncertain Significance.

NM_001378454.1(ALMS1):c.6422C>T (p.Ser2141Phe)

Gene: ALMS1 (ALMS1 centrosome and basal body associated protein; plus strand). Cytogenetic location: 2p13.1.
Variant type: single nucleotide variant.
Coding change: c.6422C>T on transcript NM_001378454.1 (MANE Select); coding-DNA position 6422, C replaced by T.
Protein change: p.Ser2141Phe; replaces serine 2141 with phenylalanine.
Molecular consequence: missense variant.
Genome position (GRCh38, 1-based): chr2:73,452,949, C>T. VCF-style: chr2-73452949-C-T. GRCh37 (hg19) VCF-style: chr2-73680076-C-T.
Other names: c.6425C>T, p.Ser2142Phe (NM_015120.4); short protein forms S2142F, S2141F.
Identifiers: ClinVar variation 2102825 (VCV002102825.1), dbSNP rs1671979624, ClinGen allele CA347287577.